The following is an entry in ClinVar:

NM_001277115.2(DNAH11):c.7833_7837dup (p.Lys2613fs)

Gene: DNAH11 (dynein axonemal heavy chain 11; plus strand). Cytogenetic location: 7p15.3.
Variant type: Duplication.
Coding change: c.7833_7837dup on transcript NM_001277115.2 (MANE Select); coding-DNA positions 7833 to 7837, 5 bases duplicated (GCTTA; older notation c.7833_7837dupGCTTA).
Protein change: p.Lys2613fs; shifts the reading frame from lysine 2613.
Molecular consequence: frameshift variant.
Genome position (GRCh38, 1-based): chr7:21,739,592-21,739,596, GCTTA duplicated. VCF-style (leftmost placement, unchanged base first): chr7-21739591-T-TGCTTA. GRCh37 (hg19) VCF-style: chr7-21779209-T-TGCTTA.
Other names: c.7854_7858dup, p.Lys2620Serfs (NM_003777.3); short protein forms K2613fs.
Identifiers: ClinVar variation 2671848 (VCV002671848.2), dbSNP rs2535099209, ClinGen allele CA2695198461.
Genomic context (GRCh38, chr7:21,739,591, plus strand): 5'-TCCAGTTTTTGGATTTAAGGTTCTGTTTTCTGTCTTTCAGGTATGATAGACAGAAGGTGA[T>TGCTTA]GCTTAAAGAAATCCATAACTGCCAGTATGTCGCCTGCATGAATCCGATGGTGGGCAGCTT-3'

ClinVar aggregate classification (germline): Pathogenic (1 of 4 stars; one submission).

Conditions:
Primary ciliary dyskinesia. Also called: Ciliary dyskinesia. Identifiers: Orphanet 244, MedGen C0008780, MONDO:0016575, HP:0012265.

Submission:

Institute Of Molecular Biology And Genetics, Federal Almazov National Medical Research Centre
Classification: Pathogenic for Primary ciliary dyskinesia. Last evaluated: 2023-12-11. Review status: criteria provided, single submitter. Criteria: ACMG Guidelines, 2015. Collection method: clinical testing. Allele origin: paternal. Affected: yes. Observed: 1 variant allele.
Comment: The c.7833_7837dup variant is a 5-bp insertion that is predicted to produce a premature termination codon (p.Lys2613Serfs*14) in the DNAH11 gene. The variant is absent in population databases (no allele frequency in gnomAD), and, to our knowledge, has not been previously reported in association with PCD cases either in ClinVar, or in the literature. For these reasons, this variant has been classified as Pathogenic.